The following is an entry in ClinVar:

ClinVar aggregate classification (germline): Pathogenic/Likely pathogenic. Review status: criteria provided, multiple submitters, no conflicts (2 of 4 stars). 2 submissions from 2 submitters: Pathogenic (1); Likely pathogenic (1). Last evaluated 2025-04-22.

Conditions:
Saethre-Chotzen syndrome (SCS). Also called: ACROCEPHALY, SKULL ASYMMETRY, AND MILD SYNDACTYLY; ACS III; CHOTZEN SYNDROME. Identifiers: Orphanet 794, MedGen C0175699, MONDO:0007042, OMIM 101400.
TWIST1-related craniosynostosis (CRS1). Also called: CRANIOSYNOSTOSIS 1. Identifiers: Orphanet 63440, MedGen C4551902, MONDO:0007399, OMIM 123100. Inheritance: Heterogenous inheritance pattern.

Submissions (2):

Labcorp Genetics (formerly Invitae), Labcorp
Classification: Likely pathogenic for TWIST1-related craniosynostosis; Saethre-Chotzen syndrome. Last evaluated: 2025-04-22. Review status: criteria provided, single submitter. Criteria: Invitae Variant Classification Sherloc (09022015). Collection method: clinical testing. Allele origin: germline.
Comment: This sequence change replaces arginine, which is basic and polar, with glycine, which is neutral and non-polar, at codon 120 of the TWIST1 protein (p.Arg120Gly). This variant is not present in population databases (gnomAD no frequency). This missense change has been observed in individual(s) with clinical features of Saethre-Chotzen syndrome (internal data). It has also been observed to segregate with disease in related individuals. ClinVar contains an entry for this variant (Variation ID: 1474221). An algorithm developed to predict the effect of missense changes on protein structure and function (PolyPhen-2) suggests that this variant is likely to be disruptive. This variant disrupts the p.Arg120 amino acid residue in TWIST1. Other variant(s) that disrupt this residue have been determined to be pathogenic (PMID: 10649491, 15923834). This suggests that this residue is clinically significant, and that variants that disrupt this residue are likely to be disease-causing. In summary, the currently available evidence indicates that the variant is pathogenic, but additional data are needed to prove that conclusively. Therefore, this variant has been classified as Likely Pathogenic.

Victorian Clinical Genetics Services, Murdoch Childrens Research Institute
Classification: Pathogenic for Saethre-Chotzen syndrome. Last evaluated: 2024-10-09. Review status: criteria provided, single submitter. Criteria: ACMG Guidelines, 2015. Collection method: clinical testing. Allele origin: germline. Inheritance: Autosomal dominant inheritance.
Comment: Based on the classification scheme VCGS_Germline_v1.3.4, this variant is classified as Pathogenic. Following criteria are met: 0102 - Loss of function is a known mechanism of disease in this gene and is associated with Saethre-Chotzen syndrome with or without eyelid anomalies (MIM#101400), while dominant-negative is suggested for Sweeney-Cox syndrome (MIM#617746) (GeneReviews, PMID: 28369379). (I) 0107 - This gene is associated with autosomal dominant disease. Craniosynostosis 1 (MIM#123100) forms part of the phenotypic spectrum for Saethre-Chotzen syndrome with or without eyelid anomalies (MIM#101400); while only missense variants affecting codon Glu117 have been reported for Sweeney-Cox syndrome (MIM#617746) (PMID: 28369379, 30450715). (I) 0200 - Variant is predicted to result in a missense amino acid change from arginine to glycine. (I) 0251 - This variant is heterozygous. (I) 0301 - Variant is absent from gnomAD (both v2 and v3). (SP) 0501 - Missense variant consistently predicted to be damaging by multiple in silico tools or highly conserved with a major amino acid change. (SP) 0601 - Variant is located in the well established functional HLH domain (PMID: 21876555). (SP) 0703 - Other missense variants comparable to the one identified in this case have moderate previous evidence for pathogenicity. p.(Arg120Pro) and p.(Arg120Cys) have been reported in at least four individuals with Saethre-Chotzen syndrome with or without eyelid anomalies (MIM#101400), with the latter also classified as pathogenic by a diagnostic laboratory in ClinVar (PMID: 15923834, 18391498). (SP) 0807 - This variant has no previous evidence of pathogenicity. (I) 0905 - No published segregation evidence has been identified for this variant. (I) 1007 - No published functional evidence has been identified for this variant. (SP) Legend: (SP) - Supporting pathogenic, (I) - Information, (SB) - Supporting benign

Literature cited by the submitters: PubMed 10649491 (cited by Labcorp Genetics (formerly Invitae), Labcorp); PubMed 15923834 (cited by Labcorp Genetics (formerly Invitae), Labcorp and Victorian Clinical Genetics Services, Murdoch Childrens Research Institute); PubMed 18391498 (cited by Victorian Clinical Genetics Services, Murdoch Childrens Research Institute); PubMed 21876555 (cited by Victorian Clinical Genetics Services, Murdoch Childrens Research Institute); PubMed 28369379 (cited by Victorian Clinical Genetics Services, Murdoch Childrens Research Institute); PubMed 30450715 (cited by Victorian Clinical Genetics Services, Murdoch Childrens Research Institute).

NM_000474.4(TWIST1):c.358C>G (p.Arg120Gly)

Gene: TWIST1 (twist family bHLH transcription factor 1; minus strand). Cytogenetic location: 7p21.1.
Variant type: single nucleotide variant.
Coding change: c.358C>G on transcript NM_000474.4 (MANE Select); coding-DNA position 358, C replaced by G.
Protein change: p.Arg120Gly; replaces arginine 120 with glycine.
Molecular consequence: missense variant. On other transcripts: non-coding transcript variant (1).
Genome position (GRCh38, 1-based): chr7:19,116,964, G>C on the plus strand (C>G on the coding strand, the complement: TWIST1 is on the minus strand). VCF-style: chr7-19116964-G-C. GRCh37 (hg19) VCF-style: chr7-19156587-G-C.
Other names: short protein forms R120G.
Identifiers: ClinVar variation 1474221 (VCV001474221.12), dbSNP rs1233220987, ClinGen allele CA367015608.